The following is an entry in ClinVar:

NM_001375524.1(TRRAP):c.5317G>A (p.Asp1773Asn)

Genes: TRRAP (transformation/transcription domain associated protein; plus strand), LOC126860121 (MED14-independent group 3 enhancer GRCh37_chr7:98547245-98548444; plus strand). Cytogenetic location: 7q22.1.
Variant type: single nucleotide variant.
Coding change: c.5317G>A on transcript NM_001375524.1 (MANE Select); coding-DNA position 5317, G replaced by A.
Protein change: p.Asp1773Asn; replaces aspartic acid 1773 with asparagine.
Molecular consequence: missense variant.
Genome position (GRCh38, 1-based): chr7:98,950,245, G>A. VCF-style: chr7-98950245-G-A. GRCh37 (hg19) VCF-style: chr7-98547868-G-A.
Other names: c.5296G>A, p.Asp1766Asn (NM_001244580.2); c.5242G>A, p.Asp1748Asn (NM_003496.4); short protein forms D1748N, D1766N, D1773N.
Identifiers: ClinVar variation 3664722 (VCV003664722.2).

ClinVar aggregate classification (germline): Uncertain significance (1 of 4 stars; one submission).

Submission:

Labcorp Genetics (formerly Invitae), Labcorp
Classification: Uncertain significance. Last evaluated: 2025-02-04. Review status: criteria provided, single submitter. Criteria: Invitae Variant Classification Sherloc (09022015). Collection method: clinical testing. Allele origin: germline.
Comment: This sequence change replaces aspartic acid, which is acidic and polar, with asparagine, which is neutral and polar, at codon 1748 of the TRRAP protein (p.Asp1748Asn). This variant is not present in population databases (gnomAD no frequency). This variant has not been reported in the literature in individuals affected with TRRAP-related conditions. Invitae Evidence Modeling of protein sequence and biophysical properties (such as structural, functional, and spatial information, amino acid conservation, physicochemical variation, residue mobility, and thermodynamic stability) indicates that this missense variant is not expected to disrupt TRRAP protein function with a negative predictive value of 80%. In summary, the available evidence is currently insufficient to determine the role of this variant in disease. Therefore, it has been classified as a Variant of Uncertain Significance.